The following is an entry in ClinVar:

NM_144596.4(TTC8):c.1171G>C (p.Glu391Gln)

Gene: TTC8 (tetratricopeptide repeat domain 8; plus strand). Cytogenetic location: 14q31.3.
Variant type: single nucleotide variant.
Coding change: c.1171G>C on transcript NM_144596.4 (MANE Select); coding-DNA position 1171, G replaced by C.
Protein change: p.Glu391Gln; replaces glutamic acid 391 with glutamine.
Molecular consequence: missense variant. On other transcripts: non-coding transcript variant (1).
Genome position (GRCh38, 1-based): chr14:88,871,670, G>C. VCF-style: chr14-88871670-G-C. GRCh37 (hg19) VCF-style: chr14-89338014-G-C.
Other names: c.1141G>C (NM_198309.2); c.1171G>C (NM_144596.3); c.1219G>C, p.Glu407Gln (NM_001288781.1); c.577G>C, p.Glu193Gln (NM_001288782.1); c.454G>C, p.Glu152Gln (NM_001288783.1); c.1141G>C, p.Glu381Gln (NM_001366535.2, NM_198309.3); c.1051G>C, p.Glu351Gln (NM_001366536.2, NM_198310.3); short protein forms E152Q, E193Q, E407Q, E381Q, E391Q, E351Q.
Identifiers: ClinVar variation 1404144 (VCV001404144.11), dbSNP rs1253282084, ClinGen allele CA390552150.

ClinVar aggregate classification (germline): Uncertain significance. Review status: criteria provided, multiple submitters, no conflicts (2 of 4 stars). 3 submissions from 3 submitters: Uncertain significance (3). Last evaluated 2026-05-14.

Conditions:
TTC8-related disorder. Also called: TTC8-related condition.
Inborn genetic diseases. Identifiers: MedGen C0950123, MeSH D030342.
Bardet-Biedl syndrome (BBS). Identifiers: Orphanet 110, MedGen C0752166, MONDO:0015229.

Allele frequency attached by ClinVar (database versions not stated): gnomAD exomes below 0.00001; TOPMed below 0.00001; gnomAD 0.00001.
gnomAD v4.1: 3 of 1,614,008 alleles (0.00019%); highest among the groups gnomAD compares: Non-Finnish European, 0.00025%; no homozygotes.

Submissions (3):

PreventionGenetics, part of Exact Sciences
Classification: Uncertain significance for TTC8-related condition. Last evaluated: 2026-05-14. Review status: criteria provided, single submitter. Criteria: ACMG Guidelines, 2015. Collection method: clinical testing. Allele origin: germline.
Comment: The TTC8 c.1171G>C variant is predicted to result in the amino acid substitution p.Glu391Gln. To our knowledge, this variant has not been reported in the literature. This variant is reported in 0.00088% of alleles in individuals of European (Non-Finnish) descent in gnomAD. At this time, the clinical significance of this variant is uncertain due to the absence of conclusive functional and genetic evidence.

Ambry Genetics
Classification: Uncertain significance for Inborn genetic diseases. Last evaluated: 2025-10-29. Review status: criteria provided, single submitter. Criteria: Ambry Variant Classification Scheme 2023. Collection method: clinical testing. Allele origin: germline.

Labcorp Genetics (formerly Invitae), Labcorp
Classification: Uncertain significance for Bardet-Biedl syndrome. Last evaluated: 2021-07-03. Review status: criteria provided, single submitter. Criteria: Invitae Variant Classification Sherloc (09022015). Collection method: clinical testing. Allele origin: germline.
Comment: In summary, the available evidence is currently insufficient to determine the role of this variant in disease. Therefore, it has been classified as a Variant of Uncertain Significance. Algorithms developed to predict the effect of missense changes on protein structure and function (SIFT, PolyPhen-2, Align-GVGD) all suggest that this variant is likely to be tolerated. This variant has not been reported in the literature in individuals affected with TTC8-related conditions. This variant is not present in population databases (ExAC no frequency). This sequence change replaces glutamic acid with glutamine at codon 381 of the TTC8 protein (p.Glu381Gln). The glutamic acid residue is moderately conserved and there is a small physicochemical difference between glutamic acid and glutamine.